The following is an entry in ClinVar:

NM_133259.4(LRPPRC):c.2302A>G (p.Ile768Val)

Gene: LRPPRC (leucine rich pentatricopeptide repeat containing; minus strand). Cytogenetic location: 2p21.
Variant type: single nucleotide variant.
Coding change: c.2302A>G on transcript NM_133259.4 (MANE Select); coding-DNA position 2302, A replaced by G.
Protein change: p.Ile768Val; replaces isoleucine 768 with valine.
Molecular consequence: missense variant.
Genome position (GRCh38, 1-based): chr2:43,943,889, T>C on the plus strand (A>G on the coding strand, the complement: LRPPRC is on the minus strand). VCF-style: chr2-43943889-T-C. GRCh37 (hg19) VCF-style: chr2-44171028-T-C.
Other names: short protein forms I768V.
Identifiers: ClinVar variation 4776856 (VCV004776856.1).
Genomic context (GRCh38, chr2:43,943,889, plus strand): 5'-ACAAGGCTGTTGTATCTTTGATAAGAACATCCTTCTCTTTCATCTCCTTCAGAATGTTAA[T>C]AGCATCTACAATGAAGTAACACAAAAGACCCTTAGGTAATTTCATGTAGGGAAAACAAAC-3'
Protein context (NP_573566.2, residues 758-778): LAKHGKLQDA[Ile768Val]NILKEMKEKD

ClinVar aggregate classification (germline): Uncertain significance (1 of 4 stars; one submission).

gnomAD v4.1: 2 of 1,610,226 alleles (0.00012%); highest among the groups gnomAD compares: South Asian, 0.0022%; no homozygotes.

Submission:

Labcorp Genetics (formerly Invitae), Labcorp
Classification: Uncertain significance. Last evaluated: 2025-02-13. Review status: criteria provided, single submitter. Criteria: Invitae Variant Classification Sherloc (09022015). Collection method: clinical testing. Allele origin: germline.
Comment: This sequence change replaces isoleucine, which is neutral and non-polar, with valine, which is neutral and non-polar, at codon 768 of the LRPPRC protein (p.Ile768Val). This variant is present in population databases (rs751811633, gnomAD 0.003%). This variant has not been reported in the literature in individuals affected with LRPPRC-related conditions. Invitae Evidence Modeling of protein sequence and biophysical properties (such as structural, functional, and spatial information, amino acid conservation, physicochemical variation, residue mobility, and thermodynamic stability) indicates that this missense variant is not expected to disrupt LRPPRC protein function with a negative predictive value of 80%. In summary, the available evidence is currently insufficient to determine the role of this variant in disease. Therefore, it has been classified as a Variant of Uncertain Significance.